The following is an entry in ClinVar:

ClinVar aggregate classification (germline): Benign. Review status: criteria provided, single submitter (1 of 4 stars). 2 submissions from 2 submitters: Benign (1). 1 of the submissions does not count toward it. Last evaluated 2021-05-04.

Conditions:
ITPR3-related disorder. Also called: ITPR3-related condition.

Allele frequency attached by ClinVar (database versions not stated): ESP Exome Variant Server 0.40843; gnomAD 0.44818 and 0.46656; TOPMed 0.44875; gnomAD exomes 0.49758 and 0.57180; ExAC 0.56776; 1000 Genomes Project 30x 0.56964; 1000 Genomes Project 0.57967.
gnomAD v4.1: 798,203 of 1,613,126 alleles (49%); highest among the groups gnomAD compares: East Asian, 87%; 209,135 homozygotes.

Submissions (2):

GeneDx
Classification: Benign. Last evaluated: 2021-05-04. Review status: criteria provided, single submitter. Criteria: GeneDx Variant Classification Process June 2021. Collection method: clinical testing. Allele origin: germline. Affected: yes.

PreventionGenetics, part of Exact Sciences
Classification: Benign for ITPR3-related condition. Last evaluated: 2019-10-17. Review status: no assertion criteria provided. Collection method: clinical testing. Allele origin: germline. Not counted in ClinVar's aggregate classification.
Comment: This variant is classified as benign based on ACMG/AMP sequence variant interpretation guidelines (Richards et al. 2015 PMID: 25741868, with internal and published modifications).

NM_002224.4(ITPR3):c.7306C>G (p.Leu2436Val)

Gene: ITPR3 (inositol 1,4,5-trisphosphate receptor type 3; plus strand). Cytogenetic location: 6p21.31.
Variant type: single nucleotide variant.
Coding change: c.7306C>G on transcript NM_002224.4 (MANE Select); coding-DNA position 7306, C replaced by G.
Protein change: p.Leu2436Val; replaces leucine 2436 with valine.
Molecular consequence: missense variant.
Genome position (GRCh38, 1-based): chr6:33,691,695, C>G. VCF-style: chr6-33691695-C-G. GRCh37 (hg19) VCF-style: chr6-33659472-C-G.
Other names: short protein forms L2436V.
Identifiers: ClinVar variation 1251401 (VCV001251401.4), dbSNP rs2229642, ClinGen allele CA3762140.